The following is an entry in ClinVar:

NM_001005498.4(RHBDF2):c.1380C>A (p.Arg460=)

Gene: RHBDF2 (rhomboid 5 homolog 2; minus strand). Cytogenetic location: 17q25.1.
Variant type: single nucleotide variant.
Coding change: c.1380C>A on transcript NM_001005498.4 (MANE Select); coding-DNA position 1380, C replaced by A.
Protein change: p.Arg460=; no amino-acid change (arginine 460 retained).
Molecular consequence: synonymous variant. On other transcripts: non-coding transcript variant (3).
Genome position (GRCh38, 1-based): chr17:76,474,457, G>T on the plus strand (C>A on the coding strand, the complement: RHBDF2 is on the minus strand). VCF-style: chr17-76474457-G-T. GRCh37 (hg19) VCF-style: chr17-74470539-G-T.
Other names: c.1380C>A, p.Arg460= (NM_001376228.1, NM_001376229.1, NM_001376230.1); c.1467C>A, p.Arg489= (NM_024599.5).
Identifiers: ClinVar variation 325439 (VCV000325439.14), dbSNP rs34005184, ClinGen allele CA8787012.

ClinVar aggregate classification (germline): Benign/Likely benign. Review status: criteria provided, multiple submitters, no conflicts (2 of 4 stars). 4 submissions from 4 submitters: Benign (3); Likely benign (1). Last evaluated 2026-01-17.

Conditions:
Palmoplantar keratoderma-esophageal carcinoma syndrome (TOC). Also called: KERATOSIS PALMARIS ET PLANTARIS WITH ESOPHAGEAL CANCER; PALMOPLANTAR KERATODERMA WITH ESOPHAGEAL CANCER; Tylosis with Esophageal Cancer. Identifiers: Orphanet 2198, MedGen C1835664, MONDO:0007856, OMIM 148500.

Allele frequency attached by ClinVar (database versions not stated): TOPMed 0.01307; ESP Exome Variant Server 0.01353; 1000 Genomes Project 0.01398; 1000 Genomes Project 30x 0.01562.
gnomAD v4.1: 3,484 of 1,614,088 alleles (0.22%); highest among the groups gnomAD compares: African/African-American, 4%; 76 homozygotes.

Submissions (4):

Labcorp Genetics (formerly Invitae), Labcorp
Classification: Benign. Last evaluated: 2026-01-17. Review status: criteria provided, single submitter. Criteria: Invitae Variant Classification Sherloc (09022015). Collection method: clinical testing. Allele origin: germline.

KCCC/NGS Laboratory, Kuwait Cancer Control Center
Classification: Likely benign for Palmoplantar keratoderma-esophageal carcinoma syndrome. Last evaluated: 2023-07-07. Review status: criteria provided, single submitter. Criteria: ACMG Guidelines, 2015. Collection method: clinical testing. Allele origin: germline. Affected: yes.

Illumina Laboratory Services, Illumina
Classification: Benign for Palmoplantar keratoderma-esophageal carcinoma syndrome. Last evaluated: 2018-01-12. Review status: criteria provided, single submitter. Criteria: ICSL Variant Classification Criteria 13 December 2019. Collection method: clinical testing. Allele origin: germline.
Comment: This variant was observed in the ICSL laboratory as part of a predisposition screen in an ostensibly healthy population. It had not been previously curated by ICSL or reported in the Human Gene Mutation Database (HGMD: prior to June 1st, 2018), and was therefore a candidate for classification through an automated scoring system. Utilizing variant allele frequency, disease prevalence and penetrance estimates, and inheritance mode, an automated score was calculated to assess if this variant is too frequent to cause the disease. Based on the score and internal cut-off values, a variant classified as benign is not then subjected to further curation. The score for this variant resulted in a classification of benign for this disease.

Breakthrough Genomics
Classification: Benign. Review status: criteria provided, single submitter. Criteria: ACMG Guidelines, 2015. Collection method: not provided. Allele origin: germline. Inheritance: Autosomal dominant inheritance. Affected: yes.